The following is an entry in ClinVar:

ClinVar aggregate classification (germline): Likely pathogenic (1 of 4 stars; one submission).

Conditions:
Maturity-onset diabetes of the young type 1. Also called: MODY type 1; Diabetes mellitus MODY type 1; MODY HNF4A related; HNF4A-Related Maturity-Onset Diabetes of the Young Type 1; MODY, type I; MILD JUVENILE DIABETES MELLITUS. Identifiers: Orphanet 552, MedGen C1852093, MONDO:0007452, OMIM 125850. Disease mechanism: loss of function.

Submission:

Women's Health and Genetics/Laboratory Corporation of America, LabCorp
Classification: Likely pathogenic for Large Deletion. Last evaluated: 2011-08-18. Review status: criteria provided, single submitter. Criteria: LabCorp Variant Classification Summary - May 2015. Collection method: curation. Allele origin: germline. Inheritance: autosomal unknown. Affected: yes.
ClinVar note: Converted during submission from likely pathogenic to Likely pathogenic.

HNF4A deletion

Gene: HNF4A (hepatocyte nuclear factor 4 alpha; plus strand). Cytogenetic location: 20q13.12.
Variant type: Deletion.
Identifiers: ClinVar variation 36366 (VCV000036366.3).